The following is an entry in ClinVar:

NM_004525.3(LRP2):c.5227+6G>C

Gene: LRP2 (LDL receptor related protein 2; minus strand). Cytogenetic location: 2q31.1.
Variant type: single nucleotide variant.
Coding change: c.5227+6G>C on transcript NM_004525.3 (MANE Select); 6 bases into the intron after coding-DNA position 5227, G replaced by C.
Molecular consequence: intron variant.
Genome position (GRCh38, 1-based): chr2:169,231,708, C>G on the plus strand (G>C on the coding strand, the complement: LRP2 is on the minus strand). VCF-style: chr2-169231708-C-G. GRCh37 (hg19) VCF-style: chr2-170088218-C-G.
Other names: c.5227+6G>C (NM_004525.2).
Identifiers: ClinVar variation 1376611 (VCV001376611.6), dbSNP rs762106278, ClinGen allele CA1954592.

ClinVar aggregate classification (germline): Uncertain significance. Review status: criteria provided, multiple submitters, no conflicts (2 of 4 stars). 3 submissions from 3 submitters: Uncertain significance (3). Last evaluated 2026-02-14.

Conditions:
Inborn genetic diseases. Identifiers: MedGen C0950123, MeSH D030342.

Allele frequency attached by ClinVar (database versions not stated): gnomAD exomes below 0.00001; ExAC 0.00001.
gnomAD v4.1: 3 of 1,613,888 alleles (0.00019%); highest among the groups gnomAD compares: Non-Finnish European, 0.00025%; no homozygotes.

Submissions (3):

Women's Health and Genetics/Laboratory Corporation of America, LabCorp
Classification: Uncertain significance. Last evaluated: 2026-02-14. Review status: criteria provided, single submitter. Criteria: LabCorp Variant Classification Summary - May 2015. Collection method: clinical testing. Allele origin: germline.

Labcorp Genetics (formerly Invitae), Labcorp
Classification: Uncertain significance. Last evaluated: 2023-03-10. Review status: criteria provided, single submitter. Criteria: Invitae Variant Classification Sherloc (09022015). Collection method: clinical testing. Allele origin: germline.
Comment: This variant has not been reported in the literature in individuals affected with LRP2-related conditions. In summary, the available evidence is currently insufficient to determine the role of this variant in disease. Therefore, it has been classified as a Variant of Uncertain Significance. Variants that disrupt the consensus splice site are a relatively common cause of aberrant splicing (PMID: 17576681, 9536098). Algorithms developed to predict the effect of sequence changes on RNA splicing suggest that this variant may disrupt the consensus splice site. ClinVar contains an entry for this variant (Variation ID: 1376611). This variant is present in population databases (rs762106278, gnomAD 0.0009%). This sequence change falls in intron 31 of the LRP2 gene. It does not directly change the encoded amino acid sequence of the LRP2 protein. It affects a nucleotide within the consensus splice site.

Ambry Genetics
Classification: Uncertain significance for Inborn genetic diseases. Last evaluated: 2021-12-15. Review status: criteria provided, single submitter. Criteria: Ambry Variant Classification Scheme 2023. Collection method: clinical testing. Allele origin: germline.
Comment: The c.5227+6G>C intronic alteration consists of a G to C substitution 6 nucleotides after exon 31 of the LRP2 gene. Based on insufficient or conflicting evidence, the clinical significance of this alteration remains unclear.

Literature cited by the submitters: PubMed 17576681 (cited by Labcorp Genetics (formerly Invitae), Labcorp); PubMed 9536098 (cited by Labcorp Genetics (formerly Invitae), Labcorp).